The following is an entry in ClinVar:

NM_001256317.3(TMPRSS3):c.687C>T (p.Pro229=)

Gene: TMPRSS3 (transmembrane serine protease 3; minus strand). Cytogenetic location: 21q22.3.
Variant type: single nucleotide variant.
Coding change: c.687C>T on transcript NM_001256317.3 (MANE Select); coding-DNA position 687, C replaced by T.
Protein change: p.Pro229=; no amino-acid change (proline 229 retained).
Molecular consequence: synonymous variant.
Genome position (GRCh38, 1-based): chr21:42,383,128, G>A on the plus strand (C>T on the coding strand, the complement: TMPRSS3 is on the minus strand). VCF-style: chr21-42383128-G-A. GRCh37 (hg19) VCF-style: chr21-43803237-G-A.
Other names: c.687C>T (NM_024022.2); c.687C>T, p.Pro229= (NM_024022.4, NM_032405.2); c.306C>T, p.Pro102= (NM_032404.3).
Identifiers: ClinVar variation 2699953 (VCV002699953.4), dbSNP rs1313025141, ClinGen allele CA512423224.
Genomic context (GRCh38, chr21:42,383,128, plus strand): 5'-GGGCGTGATGACAGAGCCCCCGCACAGGTGGTAGCCCTGGAACTGAAGGCTGGCCTGCCA[G>A]GGCCACTGCGAGAGCAAGGACATGTTTCCACCCACGATGCGTGAGCTGTAGCCCCTTCTA-3'
Protein context (NP_001243246.1, residues 219-239): GGNMSLLSQW[Pro229=]WQASLQFQGY

ClinVar aggregate classification (germline): Likely benign. Review status: criteria provided, multiple submitters, no conflicts (2 of 4 stars). 2 submissions from 2 submitters: Likely benign (2). Last evaluated 2026-07-23.

Conditions:
TMPRSS3-related disorder. Also called: TMPRSS3-related condition.

Allele frequency attached by ClinVar (database versions not stated): gnomAD 0.00001; gnomAD exomes 0.00001; TOPMed 0.00001.
gnomAD v4.1: 13 of 1,614,070 alleles (0.00081%); highest among the groups gnomAD compares: Non-Finnish European, 0.0011%; no homozygotes.

Submissions (2):

PreventionGenetics, part of Exact Sciences
Classification: Likely benign for TMPRSS3-related condition. Last evaluated: 2026-07-23. Review status: criteria provided, single submitter. Criteria: ACMG Guidelines, 2015. Collection method: clinical testing. Allele origin: germline.
Comment: This variant is classified as likely benign based on ACMG/AMP sequence variant interpretation guidelines (Richards et al. 2015 PMID: 25741868, with internal and published modifications).

Labcorp Genetics (formerly Invitae), Labcorp
Classification: Likely benign. Last evaluated: 2024-03-04. Review status: criteria provided, single submitter. Criteria: Invitae Variant Classification Sherloc (09022015). Collection method: clinical testing. Allele origin: germline.